The following is an entry in ClinVar:

NM_001384140.1(PCDH15):c.709C>A (p.Arg237Ser)

Gene: PCDH15 (protocadherin related 15; minus strand). Cytogenetic location: 10q21.1.
Variant type: single nucleotide variant.
Coding change: c.709C>A on transcript NM_001384140.1 (MANE Select); coding-DNA position 709, C replaced by A.
Protein change: p.Arg237Ser; replaces arginine 237 with serine.
Molecular consequence: missense variant.
Genome position (GRCh38, 1-based): chr10:54,317,438, G>T on the plus strand (C>A on the coding strand, the complement: PCDH15 is on the minus strand). VCF-style: chr10-54317438-G-T. GRCh37 (hg19) VCF-style: chr10-56077198-G-T.
Other names: c.724C>A, p.Arg242Ser (NM_001142763.2, NM_001142769.4, NM_001142771.2); c.709C>A, p.Arg237Ser (NM_001142764.2, NM_001142765.2, NM_001142766.2 and 7 more transcripts); c.598C>A, p.Arg200Ser (NM_001142767.2); c.643C>A, p.Arg215Ser (NM_001142768.2, NM_001142773.2, NM_001354404.2); short protein forms R237S, R200S, R215S, R242S.
Identifiers: ClinVar variation 2160298 (VCV002160298.4), dbSNP rs200798008, ClinGen allele CA376541094.

ClinVar aggregate classification (germline): Uncertain significance (1 of 4 stars; one submission).

gnomAD v4.1: 1 of 1,613,684 alleles (0.000062%); highest among the groups gnomAD compares: South Asian, 0.0011%; no homozygotes.

Submission:

Labcorp Genetics (formerly Invitae), Labcorp
Classification: Uncertain significance. Last evaluated: 2023-07-17. Review status: criteria provided, single submitter. Criteria: Invitae Variant Classification Sherloc (09022015). Collection method: clinical testing. Allele origin: germline.
Comment: In summary, the available evidence is currently insufficient to determine the role of this variant in disease. Therefore, it has been classified as a Variant of Uncertain Significance. This sequence change replaces arginine, which is basic and polar, with serine, which is neutral and polar, at codon 237 of the PCDH15 protein (p.Arg237Ser). This variant is not present in population databases (gnomAD no frequency). This variant has not been reported in the literature in individuals affected with PCDH15-related conditions. ClinVar contains an entry for this variant (Variation ID: 2160298). Advanced modeling of protein sequence and biophysical properties (such as structural, functional, and spatial information, amino acid conservation, physicochemical variation, residue mobility, and thermodynamic stability) performed at Invitae indicates that this missense variant is expected to disrupt PCDH15 protein function.